The following is an entry in ClinVar:

NM_005076.5(CNTN2):c.587G>A (p.Arg196Gln)

Gene: CNTN2 (contactin 2; plus strand). Cytogenetic location: 1q32.1.
Variant type: single nucleotide variant.
Coding change: c.587G>A on transcript NM_005076.5 (MANE Select); coding-DNA position 587, G replaced by A.
Protein change: p.Arg196Gln; replaces arginine 196 with glutamine.
Molecular consequence: missense variant. On other transcripts: non-coding transcript variant (1).
Genome position (GRCh38, 1-based): chr1:205,059,183, G>A. VCF-style: chr1-205059183-G-A. GRCh37 (hg19) VCF-style: chr1-205028311-G-A.
Other names: c.587G>A, p.Arg196Gln (NM_001346083.2); short protein forms R196Q.
Identifiers: ClinVar variation 1001048 (VCV001001048.6), dbSNP rs200403900, ClinGen allele CA1351087.

ClinVar aggregate classification (germline): Uncertain significance (1 of 4 stars; one submission).

Conditions:
Epilepsy, familial adult myoclonic, 5 (EPEO5). Also called: CORTICAL MYOCLONIC TREMOR WITH EPILEPSY, FAMILIAL, 5. Identifiers: Orphanet 86814, MedGen C3809374, MONDO:0014167, OMIM 615400.

Allele frequency attached by ClinVar (database versions not stated): gnomAD 0.00001 and 0.00002; gnomAD exomes 0.00001 and 0.00002; TOPMed 0.00001; ExAC 0.00002; 1000 Genomes Project 0.00020; 1000 Genomes Project 30x 0.00016.

Submission:

Labcorp Genetics (formerly Invitae), Labcorp
Classification: Uncertain significance for Epilepsy, familial adult myoclonic, 5. Last evaluated: 2021-08-24. Review status: criteria provided, single submitter. Criteria: Invitae Variant Classification Sherloc (09022015). Collection method: clinical testing. Allele origin: germline.
Comment: This sequence change replaces arginine with glutamine at codon 196 of the CNTN2 protein (p.Arg196Gln). The arginine residue is highly conserved and there is a small physicochemical difference between arginine and glutamine. This variant is present in population databases (rs200403900, ExAC 0.01%). This variant has not been reported in the literature in individuals affected with CNTN2-related conditions. Algorithms developed to predict the effect of missense changes on protein structure and function are either unavailable or do not agree on the potential impact of this missense change (SIFT: "Deleterious"; PolyPhen-2: "Benign"; Align-GVGD: "Class C0"). In summary, the available evidence is currently insufficient to determine the role of this variant in disease. Therefore, it has been classified as a Variant of Uncertain Significance.